The following is an entry in ClinVar:

NM_006270.5(RRAS):c.28G>A (p.Gly10Arg)

Gene: RRAS (RAS related; minus strand). Cytogenetic location: 19q13.33.
Variant type: single nucleotide variant.
Coding change: c.28G>A on transcript NM_006270.5 (MANE Select); coding-DNA position 28, G replaced by A.
Protein change: p.Gly10Arg; replaces glycine 10 with arginine.
Molecular consequence: missense variant.
Genome position (GRCh38, 1-based): chr19:49,640,071, C>T on the plus strand (G>A on the coding strand, the complement: RRAS is on the minus strand). VCF-style: chr19-49640071-C-T. GRCh37 (hg19) VCF-style: chr19-50143328-C-T.
Other names: c.28G>A (NM_006270.3); short protein forms G10R.
Identifiers: ClinVar variation 2816216 (VCV002816216.4), dbSNP rs1271173516, ClinGen allele CA406850111.

ClinVar aggregate classification (germline): Uncertain significance. Review status: criteria provided, multiple submitters, no conflicts (2 of 4 stars). 2 submissions from 2 submitters: Uncertain significance (2). Last evaluated 2024-08-20.

Conditions:
Noonan syndrome (NS). Also called: Noonan's syndrome. Identifiers: Orphanet 648, MedGen C0028326, MeSH D009634, MONDO:0018997. Disease mechanism: gain of function.

Allele frequency attached by ClinVar (database versions not stated): gnomAD exomes below 0.00001.
gnomAD v4.1: 1 of 1,417,702 alleles (0.000071%); highest among the groups gnomAD compares: Non-Finnish European, 0.000091%; no homozygotes.

Submissions (2):

Ambry Genetics
Classification: Uncertain significance. Last evaluated: 2024-08-20. Review status: criteria provided, single submitter. Criteria: Ambry Variant Classification Scheme 2023. Collection method: clinical testing. Allele origin: germline.

Labcorp Genetics (formerly Invitae), Labcorp
Classification: Uncertain significance for Noonan syndrome. Last evaluated: 2023-08-04. Review status: criteria provided, single submitter. Criteria: Invitae Variant Classification Sherloc (09022015). Collection method: clinical testing. Allele origin: germline.
Comment: This sequence change replaces glycine, which is neutral and non-polar, with arginine, which is basic and polar, at codon 10 of the RRAS protein (p.Gly10Arg). This variant is not present in population databases (gnomAD no frequency). This variant has not been reported in the literature in individuals affected with RRAS-related conditions. An algorithm developed to predict the effect of missense changes on protein structure and function (PolyPhen-2) suggests that this variant is likely to be disruptive. In summary, the available evidence is currently insufficient to determine the role of this variant in disease. Therefore, it has been classified as a Variant of Uncertain Significance.